The following is an entry in ClinVar:

ClinVar aggregate classification (germline): Uncertain significance (1 of 4 stars; one submission).

Submission:

Labcorp Genetics (formerly Invitae), Labcorp
Classification: Uncertain significance. Last evaluated: 2022-12-15. Review status: criteria provided, single submitter. Criteria: Invitae Variant Classification Sherloc (09022015). Collection method: clinical testing. Allele origin: germline.
Comment: In summary, the available evidence is currently insufficient to determine the role of this variant in disease. Therefore, it has been classified as a Variant of Uncertain Significance. Advanced modeling of protein sequence and biophysical properties (such as structural, functional, and spatial information, amino acid conservation, physicochemical variation, residue mobility, and thermodynamic stability) performed at Invitae indicates that this missense variant is not expected to disrupt GRIN2D protein function. This sequence change replaces proline, which is neutral and non-polar, with leucine, which is neutral and non-polar, at codon 952 of the GRIN2D protein (p.Pro952Leu). The frequency data for this variant in the population databases is considered unreliable, as metrics indicate insufficient coverage at this position in the gnomAD database. This variant has not been reported in the literature in individuals affected with GRIN2D-related conditions.

NM_000836.4(GRIN2D):c.2855C>T (p.Pro952Leu)

Gene: GRIN2D (glutamate ionotropic receptor NMDA type subunit 2D; plus strand). Cytogenetic location: 19q13.33.
Variant type: single nucleotide variant.
Coding change: c.2855C>T on transcript NM_000836.4 (MANE Select); coding-DNA position 2855, C replaced by T.
Protein change: p.Pro952Leu; replaces proline 952 with leucine.
Molecular consequence: missense variant.
Genome position (GRCh38, 1-based): chr19:48,442,781, C>T. VCF-style: chr19-48442781-C-T. GRCh37 (hg19) VCF-style: chr19-48946038-C-T.
Other names: short protein forms P952L.
Identifiers: ClinVar variation 2812911 (VCV002812911.3), dbSNP rs1600997539, ClinGen allele CA406673992.
Genomic context (GRCh38, chr19:48,442,781, plus strand): 5'-TCGTGCCCCGCGAGCGCGCCTCAGTGGACCGCTGGCGCCGGACCAAGGGCGCGGGGCCGC[C>T]GGGGGGCGCGGGCCTGGCCGACGGCTTCCACCGCTACTACGGCCCCATCGAGCCGCAGGG-3'
Protein context (NP_000827.2, residues 942-962): RWRRTKGAGP[Pro952Leu]GGAGLADGFH